The following is an entry in ClinVar:

ClinVar aggregate classification (germline): Uncertain significance (1 of 4 stars; one submission).

Conditions:
Autosomal dominant hypocalcemia 1 (HYPOC1). Also called: HYPOCALCEMIA, FAMILIAL. Identifiers: MedGen C3715128, MONDO:0011013, OMIM 601198.
Familial hypocalciuric hypercalcemia (FHH). Also called: Familial benign hypercalcemia. Identifiers: Orphanet 405, MedGen C1809471, MONDO:0018458.

Submission:

Labcorp Genetics (formerly Invitae), Labcorp
Classification: Uncertain significance for Familial hypocalciuric hypercalcemia; Autosomal dominant hypocalcemia 1. Last evaluated: 2023-10-05. Review status: criteria provided, single submitter. Criteria: Invitae Variant Classification Sherloc (09022015). Collection method: clinical testing. Allele origin: germline.
Comment: This sequence change replaces phenylalanine, which is neutral and non-polar, with leucine, which is neutral and non-polar, at codon 729 of the CASR protein (p.Phe729Leu). This variant is not present in population databases (gnomAD no frequency). This variant has not been reported in the literature in individuals affected with CASR-related conditions. An algorithm developed to predict the effect of missense changes on protein structure and function (PolyPhen-2) suggests that this variant is likely to be disruptive. In summary, the available evidence is currently insufficient to determine the role of this variant in disease. Therefore, it has been classified as a Variant of Uncertain Significance.

NM_000388.4(CASR):c.2185T>C (p.Phe729Leu)

Gene: CASR (calcium sensing receptor; plus strand). Cytogenetic location: 3q21.1.
Variant type: single nucleotide variant.
Coding change: c.2185T>C on transcript NM_000388.4 (MANE Select); coding-DNA position 2185, T replaced by C.
Protein change: p.Phe729Leu; replaces phenylalanine 729 with leucine.
Molecular consequence: missense variant.
Genome position (GRCh38, 1-based): chr3:122,284,139, T>C. VCF-style: chr3-122284139-T-C. GRCh37 (hg19) VCF-style: chr3-122002986-T-C.
Other names: c.2215T>C, p.Phe739Leu (NM_001178065.2); short protein forms F739L, F729L.
Identifiers: ClinVar variation 2952539 (VCV002952539.3), dbSNP rs2473278522, ClinGen allele CA354158933.